The following is an entry in ClinVar:

ClinVar aggregate classification (germline): Uncertain significance (1 of 4 stars; one submission).

Submission:

Labcorp Genetics (formerly Invitae), Labcorp
Classification: Uncertain significance. Last evaluated: 2022-08-04. Review status: criteria provided, single submitter. Criteria: Invitae Variant Classification Sherloc (09022015). Collection method: clinical testing. Allele origin: germline.
Comment: A copy number gain of the genomic region encompassing the full coding sequence of the SI gene has been identified. The boundaries of this event are unknown as they extend beyond the assayed region for this gene and therefore may encompass additional genes. As the precise location of this event is unknown, it may be in tandem or it may be located elsewhere in the genome. This variant has not been reported in the literature in individuals affected with SI-related conditions. In summary, the available evidence is currently insufficient to determine the role of this variant in disease. Therefore, it has been classified as a Variant of Uncertain Significance.

NC_000003.11:g.(?_164697150)_(164793800_?)dup

Gene: SI (sucrase-isomaltase; minus strand). Cytogenetic location: 3q26.1.
Variant type: Duplication.
Identifiers: ClinVar variation 1442779 (VCV001442779.4).